The following is an entry in ClinVar:

NM_001367561.1(DOCK7):c.848C>T (p.Ala283Val)

Gene: DOCK7 (dedicator of cytokinesis 7; minus strand). Cytogenetic location: 1p31.3.
Variant type: single nucleotide variant.
Coding change: c.848C>T on transcript NM_001367561.1 (MANE Select); coding-DNA position 848, C replaced by T.
Protein change: p.Ala283Val; replaces alanine 283 with valine.
Molecular consequence: missense variant.
Genome position (GRCh38, 1-based): chr1:62,636,574, G>A on the plus strand (C>T on the coding strand, the complement: DOCK7 is on the minus strand). VCF-style: chr1-62636574-G-A. GRCh37 (hg19) VCF-style: chr1-63102245-G-A.
Other names: c.848C>T, p.Ala283Val (NM_001271999.2, NM_001272000.2, NM_001272001.2 and 3 more transcripts); short protein forms A283V.
Identifiers: ClinVar variation 1502888 (VCV001502888.4), dbSNP rs199995540, ClinGen allele CA887095.
Genomic context (GRCh38, chr1:62,636,574, plus strand): 5'-ATGGTCAAATTATATAATCTTACCTTTTTCTTTTCCTTGACATCATATAAAGCCAAACTT[G>A]CAAAAATGGGTTCAATTTCAATTTCAAACCTTTATGAAGAAAAAGGATAAAATAATTTAA-3'
Protein context (NP_001354490.1, residues 273-293): KFEIEIEPIF[Ala283Val]SLALYDVKEK

ClinVar aggregate classification (germline): Uncertain significance (1 of 4 stars; one submission).

Conditions:
Developmental and epileptic encephalopathy, 23 (DEE23). Also called: Epileptic encephalopathy, early infantile, 23. Identifiers: Orphanet 411986, MedGen C4014492, MONDO:0014371, OMIM 615859.

Allele frequency attached by ClinVar (database versions not stated): ExAC 0.00001; gnomAD 0.00001 and 0.00002; gnomAD exomes 0.00001; 1000 Genomes Project 30x 0.00031; 1000 Genomes Project 0.00040.
gnomAD v4.1: 6 of 1,601,428 alleles (0.00037%); highest among the groups gnomAD compares: East Asian, 0.0068%; no homozygotes.

Submission:

Labcorp Genetics (formerly Invitae), Labcorp
Classification: Uncertain significance for Developmental and epileptic encephalopathy, 23. Last evaluated: 2022-02-10. Review status: criteria provided, single submitter. Criteria: Invitae Variant Classification Sherloc (09022015). Collection method: clinical testing. Allele origin: germline.
Comment: In summary, the available evidence is currently insufficient to determine the role of this variant in disease. Therefore, it has been classified as a Variant of Uncertain Significance. Algorithms developed to predict the effect of sequence changes on RNA splicing suggest that this variant may create or strengthen a splice site. Algorithms developed to predict the effect of missense changes on protein structure and function are either unavailable or do not agree on the potential impact of this missense change (SIFT: "Deleterious"; PolyPhen-2: "Benign"; Align-GVGD: "Class C0"). This variant has not been reported in the literature in individuals affected with DOCK7-related conditions. The frequency data for this variant in the population databases is considered unreliable, as metrics indicate poor data quality at this position in the gnomAD database. This sequence change replaces alanine, which is neutral and non-polar, with valine, which is neutral and non-polar, at codon 283 of the DOCK7 protein (p.Ala283Val).